The following is an entry in ClinVar:

ClinVar aggregate classification (germline): Uncertain significance (1 of 4 stars; one submission).

Conditions:
Ullrich congenital muscular dystrophy 2 (UCMD2). Identifiers: Orphanet 75840, MedGen C4225314, MONDO:0014654, OMIM 616470.
Bethlem myopathy 2 (BTHLM2). Identifiers: Orphanet 536516, Orphanet 610, MedGen C4225313, MONDO:0034022, OMIM 616471.

Submission:

Labcorp Genetics (formerly Invitae), Labcorp
Classification: Uncertain significance for Bethlem myopathy 2; Ullrich congenital muscular dystrophy 2. Last evaluated: 2024-03-11. Review status: criteria provided, single submitter. Criteria: Invitae Variant Classification Sherloc (09022015). Collection method: clinical testing. Allele origin: germline.
Comment: This sequence change replaces serine, which is neutral and polar, with threonine, which is neutral and polar, at codon 2155 of the COL12A1 protein (p.Ser2155Thr). This variant is not present in population databases (gnomAD no frequency). This variant has not been reported in the literature in individuals affected with COL12A1-related conditions. Algorithms developed to predict the effect of missense changes on protein structure and function output the following: SIFT: "Not Available"; PolyPhen-2: "Benign"; Align-GVGD: "Not Available". The threonine amino acid residue is found in multiple mammalian species, which suggests that this missense change does not adversely affect protein function. In summary, the available evidence is currently insufficient to determine the role of this variant in disease. Therefore, it has been classified as a Variant of Uncertain Significance.

NM_004370.6(COL12A1):c.6463T>A (p.Ser2155Thr)

Gene: COL12A1 (collagen type XII alpha 1 chain; minus strand). Cytogenetic location: 6q13.
Variant type: single nucleotide variant.
Coding change: c.6463T>A on transcript NM_004370.6 (MANE Select); coding-DNA position 6463, T replaced by A.
Protein change: p.Ser2155Thr; replaces serine 2155 with threonine.
Molecular consequence: missense variant.
Genome position (GRCh38, 1-based): chr6:75,125,271, A>T on the plus strand (T>A on the coding strand, the complement: COL12A1 is on the minus strand). VCF-style: chr6-75125271-A-T. GRCh37 (hg19) VCF-style: chr6-75834987-A-T.
Other names: c.6463T>A, p.Ser2155Thr (NM_001424113.1); c.6442T>A, p.Ser2148Thr (NM_001424114.1); c.6190T>A, p.Ser2064Thr (NM_001424115.1); c.2971T>A, p.Ser991Thr (NM_001424116.1, NM_080645.3); short protein forms S2155T, S2064T, S991T, S2148T.
Identifiers: ClinVar variation 2935840 (VCV002935840.3), dbSNP rs2533237346, ClinGen allele CA364729579.